The following is an entry in ClinVar:

ClinVar aggregate classification (germline): Uncertain significance (1 of 4 stars; one submission).

Submission:

Labcorp Genetics (formerly Invitae), Labcorp
Classification: Uncertain significance. Last evaluated: 2025-12-08. Review status: criteria provided, single submitter. Criteria: Invitae Variant Classification Sherloc (09022015). Collection method: clinical testing. Allele origin: germline.
Comment: This variant, c.16_18del, results in the deletion of 1 amino acid(s) of the POC5 protein (p.Glu6del), but otherwise preserves the integrity of the reading frame. This variant is present in population databases (no rsID available, gnomAD 0.005%). This variant has not been reported in the literature in individuals affected with POC5-related conditions. Experimental studies and prediction algorithms are not available or were not evaluated, and the functional significance of this variant is currently unknown. In summary, the available evidence is currently insufficient to determine the role of this variant in disease. Therefore, it has been classified as a Variant of Uncertain Significance.

NM_001099271.2(POC5):c.13GAG[1] (p.Glu6del)

Gene: POC5 (POC5 centriolar protein; minus strand). Cytogenetic location: 5q13.3.
Variant type: Microsatellite.
Coding change: c.13GAG[1] on transcript NM_001099271.2 (MANE Select); one copy of the 3-base unit GAG starting at c.13; the reference has two copies in a row; one copy, 3 bases deleted.
Protein change: p.Glu6del; deletes glutamic acid 6.
Molecular consequence: inframe deletion.
Genome position (GRCh38, 1-based): chr5:75,712,920-75,712,922, CTC deleted on the plus strand (GAG on the coding strand, the reverse complement: POC5 is on the minus strand); deleting any 3 consecutive bases within chr5:75,712,920-75,712,925 gives the same sequence; the position shown is the placement nearest the transcript's 3' end. VCF-style (leftmost placement, unchanged base first): chr5-75712919-TCTC-T. GRCh37 (hg19) VCF-style: chr5-75008744-TCTC-T.
Other names: short protein forms E6del.
Identifiers: ClinVar variation 2713290 (VCV002713290.3), dbSNP rs1028895988, ClinGen allele CA120988498.